The following is an entry in ClinVar:

NM_003998.4(NFKB1):c.878G>A (p.Gly293Glu)

Gene: NFKB1 (nuclear factor kappa B subunit 1; plus strand). Cytogenetic location: 4q24.
Variant type: single nucleotide variant.
Coding change: c.878G>A on transcript NM_003998.4 (MANE Select); coding-DNA position 878, G replaced by A.
Protein change: p.Gly293Glu; replaces glycine 293 with glutamic acid.
Molecular consequence: missense variant.
Genome position (GRCh38, 1-based): chr4:102,582,908, G>A. VCF-style: chr4-102582908-G-A. GRCh37 (hg19) VCF-style: chr4-103504065-G-A.
Other names: c.875G>A, p.Gly292Glu (NM_001165412.2, NM_001319226.2, NM_001382627.1); c.878G>A, p.Gly293Glu (NM_001382625.1, NM_001382626.1); c.836G>A, p.Gly279Glu (NM_001382628.1); short protein forms G279E, G292E, G293E.
Identifiers: ClinVar variation 1335560 (VCV001335560.38), dbSNP rs2149190136, ClinGen allele CA357960583.

ClinVar aggregate classification (germline): Uncertain significance. Review status: criteria provided, multiple submitters, no conflicts (2 of 4 stars). 2 submissions from 2 submitters: Uncertain significance (2). Last evaluated 2023-04-22.

Submissions (2):

Labcorp Genetics (formerly Invitae), Labcorp
Classification: Uncertain significance. Last evaluated: 2023-04-22. Review status: criteria provided, single submitter. Criteria: Invitae Variant Classification Sherloc (09022015). Collection method: clinical testing. Allele origin: germline.
Comment: In summary, the available evidence is currently insufficient to determine the role of this variant in disease. Therefore, it has been classified as a Variant of Uncertain Significance. An algorithm developed to predict the effect of missense changes on protein structure and function (PolyPhen-2) suggests that this variant is likely to be disruptive. ClinVar contains an entry for this variant (Variation ID: 1335560). This variant has not been reported in the literature in individuals affected with NFKB1-related conditions. This variant is not present in population databases (gnomAD no frequency). This sequence change replaces glycine, which is neutral and non-polar, with glutamic acid, which is acidic and polar, at codon 293 of the NFKB1 protein (p.Gly293Glu).

CeGaT Center for Human Genetics Tuebingen
Classification: Uncertain significance. Last evaluated: 2021-12-01. Review status: criteria provided, single submitter. Criteria: CeGaT Center For Human Genetics Tuebingen Variant Classification Criteria Version 2. Collection method: clinical testing. Allele origin: germline. Affected: yes. Observed: 1 variant allele.